The following is an entry in ClinVar:

NM_001734.5(C1S):c.1904C>T (p.Ala635Val)

Gene: C1S (complement C1s; plus strand). Cytogenetic location: 12p13.31.
Variant type: single nucleotide variant.
Coding change: c.1904C>T on transcript NM_001734.5 (MANE Select); coding-DNA position 1904, C replaced by T.
Protein change: p.Ala635Val; replaces alanine 635 with valine.
Molecular consequence: missense variant.
Genome position (GRCh38, 1-based): chr12:7,070,488, C>T. VCF-style: chr12-7070488-C-T. GRCh37 (hg19) VCF-style: chr12-7177792-C-T.
Other names: c.1403C>T, p.Ala468Val (NM_001346850.2); c.1904C>T, p.Ala635Val (NM_201442.4); short protein forms A635V, A468V.
Identifiers: ClinVar variation 4739000 (VCV004739000.1).

ClinVar aggregate classification (germline): Uncertain significance (1 of 4 stars; one submission).

Submission:

Labcorp Genetics (formerly Invitae), Labcorp
Classification: Uncertain significance. Last evaluated: 2025-10-06. Review status: criteria provided, single submitter. Criteria: Invitae Variant Classification Sherloc (09022015). Collection method: clinical testing. Allele origin: germline.
Comment: This sequence change replaces alanine, which is neutral and non-polar, with valine, which is neutral and non-polar, at codon 635 of the C1S protein (p.Ala635Val). This variant is not present in population databases (gnomAD no frequency). This variant has not been reported in the literature in individuals affected with C1S-related conditions. Invitae Evidence Modeling of protein sequence and biophysical properties (such as structural, functional, and spatial information, amino acid conservation, physicochemical variation, residue mobility, and thermodynamic stability) indicates that this missense variant is not expected to disrupt C1S protein function with a negative predictive value of 80%. In summary, the available evidence is currently insufficient to determine the role of this variant in disease. Therefore, it has been classified as a Variant of Uncertain Significance.